The following is an entry in ClinVar:

ClinVar aggregate classification (germline): Pathogenic (1 of 4 stars; one submission).

Conditions:
Primary ciliary dyskinesia. Also called: Ciliary dyskinesia. Identifiers: Orphanet 244, MedGen C0008780, MONDO:0016575, HP:0012265.

Submission:

Labcorp Genetics (formerly Invitae), Labcorp
Classification: Pathogenic for Primary ciliary dyskinesia. Last evaluated: 2024-12-02. Review status: criteria provided, single submitter. Criteria: Invitae Variant Classification Sherloc (09022015). Collection method: clinical testing. Allele origin: germline.
Comment: This sequence change creates a premature translational stop signal (p.Lys3147Serfs*9) in the DNAH11 gene. It is expected to result in an absent or disrupted protein product. Loss-of-function variants in DNAH11 are known to be pathogenic (PMID: 18022865, 20513915, 22184204). This variant is not present in population databases (gnomAD no frequency). This variant has not been reported in the literature in individuals affected with DNAH11-related conditions. For these reasons, this variant has been classified as Pathogenic.

Literature cited by the submitters: PubMed 18022865; PubMed 20513915; PubMed 22184204.

NM_001277115.2(DNAH11):c.9438_9439del (p.Lys3147fs)

Gene: DNAH11 (dynein axonemal heavy chain 11; plus strand). Cytogenetic location: 7p15.3.
Variant type: Microsatellite.
Coding change: c.9438_9439del on transcript NM_001277115.2 (MANE Select); coding-DNA positions 9438 to 9439, 2 bases deleted (GA; older notation c.9438_9439delGA).
Protein change: p.Lys3147fs; shifts the reading frame from lysine 3147.
Molecular consequence: frameshift variant.
Genome position (GRCh38, 1-based): chr7:21,779,059-21,779,060, GA deleted; deleting any 2 consecutive bases within chr7:21,779,057-21,779,060 gives the same sequence; the c. name uses the placement nearest the transcript's 3' end. VCF-style (leftmost placement, unchanged base first): chr7-21779056-GGA-G. GRCh37 (hg19) VCF-style: chr7-21818674-GGA-G.
Other names: short protein forms K3147fs.
Identifiers: ClinVar variation 3710602 (VCV003710602.2).
Genomic context (GRCh38, chr7:21,779,056, plus strand): 5'-CGAGCTGCAACTGAGAAATCATGATGCCGAAGCTCTGATCACAAAGATCGGCCTTCAGAC[GGA>G]GAAAGTGAGCCGGGAAAAGACCATCGCTGATGCTGAGGAGCGAAAGGTCAGGCTAATTCC-3'